The following is an entry in ClinVar:

NM_000051.4(ATM):c.3849A>G (p.Leu1283=)

Gene: ATM (ATM serine/threonine kinase; plus strand). Cytogenetic location: 11q22.3.
Variant type: single nucleotide variant.
Coding change: c.3849A>G on transcript NM_000051.4 (MANE Select); coding-DNA position 3849, A replaced by G.
Protein change: p.Leu1283=; no amino-acid change (leucine 1283 retained).
Molecular consequence: synonymous variant.
Genome position (GRCh38, 1-based): chr11:108,284,329, A>G. VCF-style: chr11-108284329-A-G. GRCh37 (hg19) VCF-style: chr11-108155056-A-G.
Other names: c.3849A>G, p.Leu1283= (NM_001351834.2).
Identifiers: ClinVar variation 765359 (VCV000765359.12), dbSNP rs1591645848, ClinGen allele CA476745040.

ClinVar aggregate classification (germline): Benign/Likely benign. Review status: criteria provided, multiple submitters, no conflicts (2 of 4 stars). 3 submissions from 3 submitters: Benign (1); Likely benign (2). Last evaluated 2024-05-15.

Conditions:
Familial cancer of breast. Also called: Hereditary breast cancer; BREAST CANCER, FAMILIAL; hereditary breast carcinoma. Identifiers: Orphanet 227535, MedGen C0346153, MONDO:0016419, OMIM 114480. Disease mechanism: loss of function.
Ataxia-telangiectasia syndrome (AT). Also called: Ataxia telangiectasia (A-T); Cerebello-oculocutaneous telangiectasia; Immunodeficiency with ataxia telangiectasia; LOUIS-BAR SYNDROME; ATAXIA-TELANGIECTASIA, FRESNO VARIANT; Ataxia-telangiectasia, complementation group D. Identifiers: Orphanet 100, MedGen C0004135, MONDO:0008840, OMIM 208900.
Hereditary cancer-predisposing syndrome. Also called: Tumor predisposition; Hereditary Cancer Syndrome; Neoplastic Syndromes, Hereditary; Hereditary neoplastic syndrome. Identifiers: Orphanet 140162, MedGen C0027672, MeSH D009386, MONDO:0015356.

Submissions (3):

Myriad Genetics, Inc.
Classification: Benign for Familial cancer of breast. Last evaluated: 2024-05-15. Review status: criteria provided, single submitter. Criteria: Myriad Autosomal Dominant, Autosomal Recessive and X-Linked Classification Criteria (2023). Collection method: clinical testing. Allele origin: unknown.
Comment: This variant is considered benign. This variant is a silent/synonymous amino acid change and it is not expected to impact splicing.

Ambry Genetics
Classification: Likely benign for Hereditary cancer-predisposing syndrome. Last evaluated: 2024-04-24. Review status: criteria provided, single submitter. Criteria: Ambry Variant Classification Scheme 2023. Collection method: clinical testing. Allele origin: germline.

Labcorp Genetics (formerly Invitae), Labcorp
Classification: Likely benign for Ataxia-telangiectasia syndrome. Last evaluated: 2020-06-30. Review status: criteria provided, single submitter. Criteria: Invitae Variant Classification Sherloc (09022015). Collection method: clinical testing. Allele origin: germline.